The following is an entry in ClinVar:

NM_002890.3(RASA1):c.2942C>T (p.Pro981Leu)

Genes: CCNH (cyclin H; minus strand), RASA1 (RAS p21 protein activator 1; plus strand). Cytogenetic location: 5q14.3.
Variant type: single nucleotide variant.
Coding change: c.2942C>T on transcript NM_002890.3 (MANE Select); coding-DNA position 2942, C replaced by T.
Protein change: p.Pro981Leu; replaces proline 981 with leucine.
Molecular consequence: missense variant. On other transcripts: intron variant (1).
Genome position (GRCh38, 1-based): chr5:87,389,409, C>T. VCF-style: chr5-87389409-C-T. GRCh37 (hg19) VCF-style: chr5-86685226-C-T.
Other names: c.2411C>T, p.Pro804Leu (NM_022650.3); c.933+5635G>A (NM_001364075.2); short protein forms P804L, P981L.
Identifiers: ClinVar variation 639566 (VCV000639566.10), dbSNP rs772714180, ClinGen allele CA3336174.

ClinVar aggregate classification (germline): Uncertain significance. Review status: criteria provided, multiple submitters, no conflicts (2 of 4 stars). 2 submissions from 2 submitters: Uncertain significance (2). Last evaluated 2025-12-09.

Conditions:
Capillary malformation-arteriovenous malformation syndrome. Also called: Capillary malformation-arteriovenous malformation. Identifiers: Orphanet 137667, MedGen C1842180, MONDO:0012016.

Allele frequency attached by ClinVar (database versions not stated): gnomAD 0.00001; gnomAD exomes 0.00001 and 0.00003; TOPMed 0.00001; ExAC 0.00002.
gnomAD v4.1: 13 of 1,613,942 alleles (0.00081%); highest among the groups gnomAD compares: East Asian, 0.0067%; no homozygotes.

Submissions (2):

Labcorp Genetics (formerly Invitae), Labcorp
Classification: Uncertain significance for Capillary malformation-arteriovenous malformation syndrome. Last evaluated: 2025-12-09. Review status: criteria provided, single submitter. Criteria: Invitae Variant Classification Sherloc (09022015). Collection method: clinical testing. Allele origin: germline.
Comment: This sequence change replaces proline, which is neutral and non-polar, with leucine, which is neutral and non-polar, at codon 981 of the RASA1 protein (p.Pro981Leu). This variant is present in population databases (rs772714180, gnomAD 0.009%). This variant has not been reported in the literature in individuals affected with RASA1-related conditions. ClinVar contains an entry for this variant (Variation ID: 639566). An algorithm developed to predict the effect of missense changes on protein structure and function (PolyPhen-2) suggests that this variant is likely to be disruptive. In summary, the available evidence is currently insufficient to determine the role of this variant in disease. Therefore, it has been classified as a Variant of Uncertain Significance.

GeneDx
Classification: Uncertain significance. Last evaluated: 2025-01-16. Review status: criteria provided, single submitter. Criteria: GeneDx Variant Classification Process June 2021. Collection method: clinical testing. Allele origin: germline. Affected: yes.
Comment: In silico analysis supports that this missense variant has a deleterious effect on protein structure/function; Has not been previously published as pathogenic or benign to our knowledge